The following is an entry in ClinVar:

ClinVar aggregate classification (germline): Likely pathogenic. Review status: criteria provided, multiple submitters, no conflicts (2 of 4 stars). 2 submissions from 2 submitters: Likely pathogenic (2). Last evaluated 2019-01-04.

Conditions:
Exudative vitreoretinopathy 5 (EVR5). Identifiers: Orphanet 891, MedGen C2750079, MONDO:0013218, OMIM 613310.

Allele frequency attached by ClinVar (database versions not stated): gnomAD exomes below 0.00001.

Submissions (2):

Institute of Human Genetics, University of Leipzig Medical Center
Classification: Likely pathogenic for Exudative vitreoretinopathy 5. Last evaluated: 2019-01-04. Review status: criteria provided, single submitter. Criteria: ACMG Guidelines, 2015. Collection method: clinical testing. Allele origin: germline. Affected: yes. Observed: 1 variant allele.

GeneDx
Classification: Likely pathogenic. Last evaluated: 2016-12-01. Review status: criteria provided, single submitter. Criteria: GeneDx Variant Classification (06012015). Collection method: clinical testing. Allele origin: germline. Affected: yes.
Comment: The c.67-2A>G variant in the TSPAN12 gene has not been reported previously as a pathogenic variant nor as abenign variant, to our knowledge. This splice site variant destroys the canonical splice acceptor site in intron 2. It ispredicted to cause abnormal gene splicing, either leading to an abnormal message that is subject to nonsense-mediatedmRNA decay, or to an abnormal protein product if the message is used for protein translation. The c.67-2A>G variantwas not observed in approximately 6500 individuals of European and African American ancestry in the NHLBIExome Sequencing Project, indicating it is not a common benign variant in these populations.

NM_012338.4(TSPAN12):c.67-2A>G

Gene: TSPAN12 (tetraspanin 12; minus strand). Cytogenetic location: 7q31.31.
Variant type: single nucleotide variant.
Coding change: c.67-2A>G on transcript NM_012338.4 (MANE Select); the canonical splice acceptor site of the intron before coding-DNA position 67, A replaced by G.
Molecular consequence: splice acceptor variant.
Genome position (GRCh38, 1-based): chr7:120,840,111, T>C on the plus strand (A>G on the coding strand, the complement: TSPAN12 is on the minus strand). VCF-style: chr7-120840111-T-C. GRCh37 (hg19) VCF-style: chr7-120480165-T-C.
Identifiers: ClinVar variation 373552 (VCV000373552.2), dbSNP rs1057518477, ClinGen allele CA16042682.
Genomic context (GRCh38, chr7:120,840,111, plus strand): 5'-ACATTATTTAGGTAGTCCCTCATCCAAGCAGAAACTGCCAACACACTGATGGACATTAAC[T>C]GGGGAGAAAAAAGTACAAACCGGTTACCAAAGATTTACGTAACATTCACTGCAGGATTAA-3'